The following is an entry in ClinVar:

NM_133510.4(RAD51B):c.446C>A (p.Ala149Asp)

Gene: RAD51B (RAD51 paralog B; plus strand). Cytogenetic location: 14q24.1.
Variant type: single nucleotide variant.
Coding change: c.446C>A on transcript NM_133510.4 (MANE Select); coding-DNA position 446, C replaced by A.
Protein change: p.Ala149Asp; replaces alanine 149 with aspartic acid.
Molecular consequence: missense variant.
Genome position (GRCh38, 1-based): chr14:67,865,133, C>A. VCF-style: chr14-67865133-C-A. GRCh37 (hg19) VCF-style: chr14-68331850-C-A.
Other names: c.446C>A, p.Ala149Asp (NM_001321809.2, NM_001321810.2, NM_001321812.1 and 6 more transcripts); c.332C>A, p.Ala111Asp (NM_001321815.1); c.89C>A, p.Ala30Asp (NM_001321817.2); short protein forms A149D, A111D, A30D.
Identifiers: ClinVar variation 5027763 (VCV005027763.1).

ClinVar aggregate classification (germline): Uncertain significance (1 of 4 stars; one submission).

gnomAD v4.1: 14 of 1,592,392 alleles (0.00088%); highest among the groups gnomAD compares: Non-Finnish European, 0.0011%; no homozygotes.

Submission:

Ambry Genetics
Classification: Uncertain significance. Last evaluated: 2026-06-18. Review status: criteria provided, single submitter. Criteria: Ambry Variant Classification Scheme 2023. Collection method: clinical testing. Allele origin: germline.
Comment: The p.A149D variant (also known as c.446C>A), located in coding exon 4 of the RAD51B gene, results from a C to A substitution at nucleotide position 446. The alanine at codon 149 is replaced by aspartic acid, an amino acid with dissimilar properties. This amino acid position is conserved. In addition, the in silico prediction for this alteration is inconclusive. Based on the available evidence, the clinical significance of this variant remains unclear.